The following is an entry in ClinVar:

NM_014874.4(MFN2):c.410A>G (p.Glu137Gly)

Gene: MFN2 (mitofusin 2; plus strand). Cytogenetic location: 1p36.22.
Variant type: single nucleotide variant.
Coding change: c.410A>G on transcript NM_014874.4 (MANE Select); coding-DNA position 410, A replaced by G.
Protein change: p.Glu137Gly; replaces glutamic acid 137 with glycine.
Molecular consequence: missense variant.
Genome position (GRCh38, 1-based): chr1:11,996,254, A>G. VCF-style: chr1-11996254-A-G. GRCh37 (hg19) VCF-style: chr1-12056311-A-G.
Other names: c.410A>G, p.Glu137Gly (NM_001127660.2); short protein forms E137G.
Identifiers: ClinVar variation 4709689 (VCV004709689.1).

ClinVar aggregate classification (germline): Uncertain significance (1 of 4 stars; one submission).

Conditions:
Charcot-Marie-Tooth disease type 2. Also called: Charcot-Marie-Tooth type 2. Identifiers: Orphanet 64746, MedGen C0270914, MONDO:0018993.

gnomAD v4.1: 1 of 1,614,196 alleles (0.000062%); highest among the groups gnomAD compares: Non-Finnish European, 0.000085%; no homozygotes.

Submission:

Labcorp Genetics (formerly Invitae), Labcorp
Classification: Uncertain significance for Charcot-Marie-Tooth disease type 2. Last evaluated: 2025-02-27. Review status: criteria provided, single submitter. Criteria: Invitae Variant Classification Sherloc (09022015). Collection method: clinical testing. Allele origin: germline.
Comment: This sequence change replaces glutamic acid, which is acidic and polar, with glycine, which is neutral and non-polar, at codon 137 of the MFN2 protein (p.Glu137Gly). This variant is present in population databases (no rsID available, gnomAD 0.0009%). This variant has not been reported in the literature in individuals affected with MFN2-related conditions. An algorithm developed to predict the effect of missense changes on protein structure and function outputs the following: PolyPhen-2: "Benign". The glycine amino acid residue is found in multiple mammalian species, which suggests that this missense change does not adversely affect protein function. In summary, the available evidence is currently insufficient to determine the role of this variant in disease. Therefore, it has been classified as a Variant of Uncertain Significance.